The following is an entry in ClinVar:

NM_000260.4(MYO7A):c.3728dup (p.Pro1244fs)

Gene: MYO7A (myosin VIIA; plus strand). Cytogenetic location: 11q13.5.
Variant type: Duplication.
Coding change: c.3728dup on transcript NM_000260.4 (MANE Select); coding-DNA position 3728, one base duplicated (C; older notation c.3728dupC).
Protein change: p.Pro1244fs; shifts the reading frame from proline 1244.
Genome position (GRCh38, 1-based): chr11:77,190,117, C duplicated; the last of 2 consecutive C bases (chr11:77,190,116-77,190,117); duplicating either gives the same sequence. VCF-style (leftmost placement, unchanged base first): chr11-77190115-G-GC. GRCh37 (hg19) VCF-style: chr11-76901160-G-GC.
Other names: NM_000260.3:c.3728dupC; p.Pro1244AlafsX64; c.3728dup, p.Pro1244fs (NM_001127180.2); c.3695dup, p.Pro1233fs (NM_001369365.1); short protein forms P1233fs, P1244fs.
Identifiers: ClinVar variation 43219 (VCV000043219.17), dbSNP rs397516304, ClinGen allele CA278658.

ClinVar aggregate classification (germline): Pathogenic/Likely pathogenic. Review status: criteria provided, multiple submitters, no conflicts (2 of 4 stars). 5 submissions from 5 submitters: Pathogenic (2); Likely pathogenic (3). Last evaluated 2024-10-04.

Conditions:
Rare genetic deafness. Identifiers: Orphanet 96210, MedGen C5680250.
Usher syndrome. Also called: Usher Syndromes; Usher's syndrome. Identifiers: Orphanet 886, MedGen CN469326, MeSH D052245, MONDO:0019501. Disease mechanism: loss of function.
Usher syndrome type 1 (USH1). Also called: RETINITIS PIGMENTOSA AND CONGENITAL DEAFNESS. Identifiers: Orphanet 231169, Orphanet 886, MedGen C1568247, MONDO:0010168, OMIM 276900.
Autosomal recessive nonsyndromic hearing loss 2. Also called: DEAFNESS, AUTOSOMAL RECESSIVE 2; NEUROSENSORY NONSYNDROMIC RECESSIVE DEAFNESS 2. Identifiers: Orphanet 90636, MedGen C1838701, MONDO:0010807, OMIM 600060.
Autosomal dominant nonsyndromic hearing loss 11. Identifiers: Orphanet 90635, MedGen C1832475, MONDO:0011032, OMIM 601317.
Usher syndrome type 1B (USH1B). Also called: Usher syndrome type IB. Identifiers: MedGen C1848638, MONDO:0700087.

Submissions (5):

Labcorp Genetics (formerly Invitae), Labcorp
Classification: Pathogenic. Last evaluated: 2024-10-04. Review status: criteria provided, single submitter. Criteria: Invitae Variant Classification Sherloc (09022015). Collection method: clinical testing. Allele origin: germline.
Comment: This sequence change creates a premature translational stop signal (p.Pro1244Alafs*64) in the MYO7A gene. It is expected to result in an absent or disrupted protein product. Loss-of-function variants in MYO7A are known to be pathogenic (PMID: 8900236, 25404053). This variant is not present in population databases (gnomAD no frequency). This variant has not been reported in the literature in individuals affected with MYO7A-related conditions. ClinVar contains an entry for this variant (Variation ID: 43219). For these reasons, this variant has been classified as Pathogenic.

Natera, Inc.
Classification: Likely pathogenic for Usher syndrome type 1B. Last evaluated: 2024-06-04. Review status: criteria provided, single submitter. Criteria: Natera Variant Classification Schema (03/2026). Collection method: clinical testing. Allele origin: germline.
Comment: The c.3728dupC variant in MYO7A is a frameshift variant predicted to shift the reading frame beginning at codon 1244 and leads to a stop codon 64 codons downstream. This variant is expected to result in nonsense mediated decay, truncation, or a dysfunctional protein product. This variant is rare in the general population with a frequency below the threshold expected for the associated phenotype(s). Given the available evidence, this variant is classified as Likely Pathogenic.

Fulgent Genetics
Classification: Likely pathogenic for Usher syndrome type 1; Autosomal recessive nonsyndromic hearing loss 2; Autosomal dominant nonsyndromic hearing loss 11. Last evaluated: 2024-04-26. Review status: criteria provided, single submitter. Criteria: ACMG Guidelines, 2015. Collection method: clinical testing. Allele origin: germline.

Women's Health and Genetics/Laboratory Corporation of America, LabCorp
Classification: Likely pathogenic for Usher syndrome. Last evaluated: 2023-02-20. Review status: criteria provided, single submitter. Criteria: LabCorp Variant Classification Summary - May 2015. Collection method: clinical testing. Allele origin: germline.
Comment: Variant summary: MYO7A c.3728dupC (p.Pro1244AlafsX64) results in a premature termination codon, predicted to cause a truncation of the encoded protein or absence of the protein due to nonsense mediated decay, which are commonly known mechanisms for disease. Truncations downstream of this position have been reported in HGMD in association with Retinitis pigmentosa, Deafness, non-syndromic, autosomal recessive and Usher syndrome. The variant was absent in 183422 control chromosomes. To our knowledge, no occurrence of c.3728dupC in individuals affected with Usher Syndrome and no experimental evidence demonstrating its impact on protein function have been reported. One clinical diagnostic laboratory has submitted clinical-significance assessments for this variant to ClinVar after 2014 without evidence for independent evaluation. One laboratory classified the variant as pathogenic. Based on the evidence outlined above, the variant was classified as likely pathogenic.

Laboratory for Molecular Medicine, Mass General Brigham Personalized Medicine
Classification: Pathogenic for Rare genetic deafness. Last evaluated: 2010-08-13. Review status: criteria provided, single submitter. Criteria: LMM Criteria. Collection method: clinical testing. Allele origin: germline. Observed: 1 variant allele.
Comment: The Pro1244fs variant in MYO7A has not been reported in the literature nor previ ously identified by our laboratory. However, this variant is predicted to cause a frameshift, which alters the protein's amino acid sequence beginning at codon 1244 and leads to a premature stop codon 64 codons downstream. This alteration i s then predicted to lead to a truncated or absent protein. In summary, this vari ant meets our criteria to be classified as pathogenic.

Literature cited by the submitters: PubMed 8900236 (cited by Labcorp Genetics (formerly Invitae), Labcorp); PubMed 25404053 (cited by Labcorp Genetics (formerly Invitae), Labcorp).